The following is an entry in ClinVar:

ClinVar aggregate classification (germline): Uncertain significance (1 of 4 stars; one submission).

Conditions:
EGFR-related lung cancer (EGFR). Identifiers: MedGen CN130014.

Submission:

Labcorp Genetics (formerly Invitae), Labcorp
Classification: Uncertain significance for EGFR-related lung cancer. Last evaluated: 2019-09-09. Review status: criteria provided, single submitter. Criteria: Invitae Variant Classification Sherloc (09022015). Collection method: clinical testing. Allele origin: germline.
Comment: This sequence change falls in intron 26 of the EGFR gene. It does not directly change the encoded amino acid sequence of the EGFR protein, but it affects a nucleotide within the consensus splice site of the intron. In summary, the available evidence is currently insufficient to determine the role of this variant in disease. Therefore, it has been classified as a Variant of Uncertain Significance. Nucleotide substitutions within the consensus splice site are a relatively common cause of aberrant splicing (PMID: 17576681, 9536098). Algorithms developed to predict the effect of sequence changes on RNA splicing suggest that this variant may disrupt the consensus splice site, but this prediction has not been confirmed by published transcriptional studies. This variant has not been reported in the literature in individuals with EGFR-related conditions. This variant is not present in population databases (ExAC no frequency).

Literature cited by the submitters: PubMed 17576681; PubMed 9536098.

NM_005228.5(EGFR):c.3162+5G>A

Gene: EGFR (epidermal growth factor receptor; plus strand). Cytogenetic location: 7p11.2.
Variant type: single nucleotide variant.
Coding change: c.3162+5G>A on transcript NM_005228.5 (MANE Select); 5 bases into the intron after coding-DNA position 3162, G replaced by A.
Molecular consequence: intron variant.
Genome position (GRCh38, 1-based): chr7:55,201,787, G>A. VCF-style: chr7-55201787-G-A. GRCh37 (hg19) VCF-style: chr7-55269480-G-A.
Other names: c.3027+5G>A (NM_001346899.2, NM_001346897.2); c.2361+5G>A (NM_001346941.2); c.3162+5G>A (NM_001346898.2); c.3003+5G>A (NM_001346900.2).
Identifiers: ClinVar variation 936567 (VCV000936567.7), dbSNP rs1787860781, ClinGen allele CA1139660066.